The following is an entry in ClinVar:

NM_018972.2(GDAP1):c.-161G>T

Gene: GDAP1 (ganglioside induced differentiation associated protein 1; plus strand). Cytogenetic location: 8q21.11.
Variant type: single nucleotide variant.
Coding change: c.-161G>T on transcript NM_018972.2; 161 bases upstream of the start codon, G replaced by T.
Genome position (GRCh38, 1-based): chr8:74,350,301, G>T. VCF-style: chr8-74350301-G-T. GRCh37 (hg19) VCF-style: chr8-75262536-G-T.
Identifiers: ClinVar variation 681267 (VCV000681267.4), dbSNP rs4541908, ClinGen allele CA179354100.

ClinVar aggregate classification (germline): Benign. Review status: criteria provided, multiple submitters, no conflicts (2 of 4 stars). 2 submissions from 2 submitters: Benign (2). Last evaluated 2018-06-14.

Allele frequency attached by ClinVar (database versions not stated): 1000 Genomes Project 0.98902; gnomAD 0.99275 and 0.99294; gnomAD exomes 0.99669; 1000 Genomes Project 30x 0.98907; TOPMed 0.99227.

Submissions (2):

GeneDx
Classification: Benign. Last evaluated: 2018-06-14. Review status: criteria provided, single submitter. Criteria: GeneDx Variant Classification (06012015). Collection method: clinical testing. Allele origin: germline. Affected: yes.
Comment: This variant is considered likely benign or benign based on one or more of the following criteria: it is a conservative change, it occurs at a poorly conserved position in the protein, it is predicted to be benign by multiple in silico algorithms, and/or has population frequency not consistent with disease.

Breakthrough Genomics
Classification: Benign. Review status: criteria provided, single submitter. Criteria: ACMG Guidelines, 2015. Collection method: not provided. Allele origin: germline. Inheritance: Autosomal recessive inheritance. Affected: yes.